The following is an entry in ClinVar:

ClinVar aggregate classification (germline): Likely benign. Review status: criteria provided, multiple submitters, no conflicts (2 of 4 stars). 2 submissions from 2 submitters: Likely benign (2). Last evaluated 2025-10-02.

Conditions:
Early-infantile DEE. Also called: Ohtahara syndrome; Early infantile epileptic encephalopathy; Early infantile epileptic encephalopathy with suppression bursts. Identifiers: Orphanet 1934, MedGen C0393706, MONDO:0800491.

Allele frequency attached by ClinVar (database versions not stated): ExAC 0.00001; gnomAD 0.00001; gnomAD exomes 0.00001 and 0.00002; TOPMed 0.00002.
gnomAD v4.1: 5 of 1,613,810 alleles (0.00031%); highest among the groups gnomAD compares: Admixed American, 0.0083%; no homozygotes.

Submissions (2):

Labcorp Genetics (formerly Invitae), Labcorp
Classification: Likely benign for Early-infantile DEE. Last evaluated: 2025-10-02. Review status: criteria provided, single submitter. Criteria: Invitae Variant Classification Sherloc (09022015). Collection method: clinical testing. Allele origin: germline.

GeneDx
Classification: Likely benign. Last evaluated: 2017-03-22. Review status: criteria provided, single submitter. Criteria: GeneDx Variant Classification (06012015). Collection method: clinical testing. Allele origin: germline. Affected: yes.
Comment: This variant is considered likely benign or benign based on one or more of the following criteria: it is a conservative change, it occurs at a poorly conserved position in the protein, it is predicted to be benign by multiple in silico algorithms, and/or has population frequency not consistent with disease.

NM_001130438.3(SPTAN1):c.1542A>G (p.Lys514=)

Gene: SPTAN1 (spectrin alpha, non-erythrocytic 1; plus strand). Cytogenetic location: 9q34.11.
Variant type: single nucleotide variant.
Coding change: c.1542A>G on transcript NM_001130438.3 (MANE Select); coding-DNA position 1542, A replaced by G.
Protein change: p.Lys514=; no amino-acid change (lysine 514 retained).
Molecular consequence: synonymous variant.
Genome position (GRCh38, 1-based): chr9:128,581,862, A>G. VCF-style: chr9-128581862-A-G. GRCh37 (hg19) VCF-style: chr9-131344141-A-G.
Other names: c.1542A>G, p.Lys514= (NM_001195532.2, NM_001363759.2, NM_001363765.2 and 1 more transcripts).
Identifiers: ClinVar variation 508320 (VCV000508320.5), dbSNP rs763879792, ClinGen allele CA5264427.